The following is an entry in ClinVar:

NM_031220.4(PITPNM3):c.1781G>A (p.Arg594His)

Gene: PITPNM3 (PITPNM family member 3; minus strand). Cytogenetic location: 17p13.2.
Variant type: single nucleotide variant.
Coding change: c.1781G>A on transcript NM_031220.4 (MANE Select); coding-DNA position 1781, G replaced by A.
Protein change: p.Arg594His; replaces arginine 594 with histidine.
Molecular consequence: missense variant.
Genome position (GRCh38, 1-based): chr17:6,468,334, C>T on the plus strand (G>A on the coding strand, the complement: PITPNM3 is on the minus strand). VCF-style: chr17-6468334-C-T. GRCh37 (hg19) VCF-style: chr17-6371654-C-T.
Other names: c.1673G>A, p.Arg558His (NM_001165966.2); c.1781G>A (NM_031220.3); short protein forms R594H, R558H.
Identifiers: ClinVar variation 2055695 (VCV002055695.6), dbSNP rs374644335, ClinGen allele CA8329382.
Genomic context (GRCh38, chr17:6,468,334, plus strand): 5'-GCAGGACTCAGTGCTGCAGGGTCCAGGCGGGCGCTTTCCTTGATGTTCACGCTCTCATAG[C>T]GCATTACCTAGCCAAGAGCCGAGCAGGGCCCCGGTCAGGTCTTCTGGCTTCTCTGCTTCC-3'
Protein context (NP_112497.2, residues 584-604): VVAFILRQVM[Arg594His]YESVNIKESA

ClinVar aggregate classification (germline): Uncertain significance. Review status: criteria provided, multiple submitters, no conflicts (2 of 4 stars). 2 submissions from 2 submitters: Uncertain significance (2). Last evaluated 2025-05-27.

Allele frequency attached by ClinVar (database versions not stated): ExAC 0.00004; ESP Exome Variant Server 0.00008.
gnomAD v4.1: 34 of 1,613,976 alleles (0.0021%); highest among the groups gnomAD compares: Admixed American, 0.0033%; no homozygotes.

Submissions (2):

Labcorp Genetics (formerly Invitae), Labcorp
Classification: Uncertain significance. Last evaluated: 2025-05-27. Review status: criteria provided, single submitter. Criteria: Invitae Variant Classification Sherloc (09022015). Collection method: clinical testing. Allele origin: germline.
Comment: This sequence change replaces arginine, which is basic and polar, with histidine, which is basic and polar, at codon 594 of the PITPNM3 protein (p.Arg594His). This variant is present in population databases (rs374644335, gnomAD 0.006%). This variant has not been reported in the literature in individuals affected with PITPNM3-related conditions. ClinVar contains an entry for this variant (Variation ID: 2055695). Invitae Evidence Modeling of protein sequence and biophysical properties (such as structural, functional, and spatial information, amino acid conservation, physicochemical variation, residue mobility, and thermodynamic stability) indicates that this missense variant is not expected to disrupt PITPNM3 protein function with a negative predictive value of 80%. In summary, the available evidence is currently insufficient to determine the role of this variant in disease. Therefore, it has been classified as a Variant of Uncertain Significance.

Ambry Genetics
Classification: Uncertain significance. Last evaluated: 2023-04-26. Review status: criteria provided, single submitter. Criteria: Ambry Variant Classification Scheme 2023. Collection method: clinical testing. Allele origin: germline.